The following is an entry in ClinVar:

NM_022437.3(ABCG8):c.384G>A (p.Lys128=)

Gene: ABCG8 (ATP binding cassette subfamily G member 8; plus strand). Cytogenetic location: 2p21.
Variant type: single nucleotide variant.
Coding change: c.384G>A on transcript NM_022437.3 (MANE Select); coding-DNA position 384, G replaced by A.
Protein change: p.Lys128=; no amino-acid change (lysine 128 retained).
Molecular consequence: synonymous variant.
Genome position (GRCh38, 1-based): chr2:43,851,645, G>A. VCF-style: chr2-43851645-G-A. GRCh37 (hg19) VCF-style: chr2-44078784-G-A.
Other names: p.Lys128=; c.384G>A, p.Lys128= (NM_001357321.2).
Identifiers: ClinVar variation 1672412 (VCV001672412.13), dbSNP rs764690028, ClinGen allele CA1637003.

ClinVar aggregate classification (germline): Likely benign. Review status: criteria provided, multiple submitters, no conflicts (2 of 4 stars). 5 submissions from 5 submitters: Likely benign (5). Last evaluated 2025-12-20.

Conditions:
Cardiovascular phenotype. Identifiers: MedGen CN230736.
Sitosterolemia 1. Identifiers: MedGen C2749759, MONDO:0020747, OMIM 210250.
Gallbladder disease 4 (GBD4). Identifiers: MedGen C1969115, MONDO:1010151, OMIM 611465.

Allele frequency attached by ClinVar (database versions not stated): TOPMed 0.00011; ExAC 0.00012; gnomAD exomes 0.00012; gnomAD 0.00015 and 0.00016.
gnomAD v4.1: 195 of 1,614,142 alleles (0.012%); highest among the groups gnomAD compares: Non-Finnish European, 0.016%; no homozygotes.

Submissions (5):

Labcorp Genetics (formerly Invitae), Labcorp
Classification: Likely benign. Last evaluated: 2025-12-20. Review status: criteria provided, single submitter. Criteria: Invitae Variant Classification Sherloc (09022015). Collection method: clinical testing. Allele origin: germline.

Mayo Clinic Laboratories, Mayo Clinic
Classification: Likely benign. Last evaluated: 2025-08-06. Review status: criteria provided, single submitter. Criteria: ACMG Guidelines, 2015. Collection method: clinical testing. Allele origin: germline. Observed: 2 variant alleles.
Comment: BP4, BP7

Women's Health and Genetics/Laboratory Corporation of America, LabCorp
Classification: Likely benign. Last evaluated: 2023-08-01. Review status: criteria provided, single submitter. Criteria: LabCorp Variant Classification Summary - May 2015. Collection method: clinical testing. Allele origin: germline.

Fulgent Genetics
Classification: Likely benign for Sitosterolemia 1; Gallbladder disease 4. Last evaluated: 2021-10-12. Review status: criteria provided, single submitter. Criteria: ACMG Guidelines, 2015. Collection method: clinical testing. Allele origin: unknown.

Ambry Genetics
Classification: Likely benign for Cardiovascular phenotype. Last evaluated: 2019-09-16. Review status: criteria provided, single submitter. Criteria: Ambry Variant Classification Scheme 2023. Collection method: clinical testing. Allele origin: germline.